The following is an entry in ClinVar:

NM_020631.6(PLEKHG5):c.2789G>A (p.Arg930Gln)

Gene: PLEKHG5 (pleckstrin homology and RhoGEF domain containing G5; minus strand). Cytogenetic location: 1p36.31.
Variant type: single nucleotide variant.
Coding change: c.2789G>A on transcript NM_020631.6 (MANE Select); coding-DNA position 2789, G replaced by A.
Protein change: p.Arg930Gln; replaces arginine 930 with glutamine.
Molecular consequence: missense variant. On other transcripts: intron variant (1).
Genome position (GRCh38, 1-based): chr1:6,468,047, C>T on the plus strand (G>A on the coding strand, the complement: PLEKHG5 is on the minus strand). VCF-style: chr1-6468047-C-T. GRCh37 (hg19) VCF-style: chr1-6528107-C-T.
Other names: c.2900G>A, p.Arg967Gln (NM_001042663.3, NM_001265592.2); c.2789G>A, p.Arg930Gln (NM_001042664.2, NM_001042665.2, NM_198681.4); c.2996G>A, p.Arg999Gln (NM_001265593.2); c.2737+52G>A (NM_001265594.3); short protein forms R930Q, R999Q, R967Q.
Identifiers: ClinVar variation 426958 (VCV000426958.21), dbSNP rs376237905, ClinGen allele CA561092.

ClinVar aggregate classification (germline): Conflicting classifications of pathogenicity. Review status: criteria provided, conflicting classifications (1 of 4 stars). 4 submissions from 4 submitters: Uncertain significance (2); Likely benign (2). Last evaluated 2026-07-01.

Conditions:
Inborn genetic diseases. Identifiers: MedGen C0950123, MeSH D030342.
Neuronopathy, distal hereditary motor, autosomal recessive 4. Also called: Autosomal recessive lower motor neuron disease with childhood onset; NEUROPATHY, DISTAL HEREDITARY MOTOR, AUTOSOMAL RECESSIVE 4. Identifiers: Orphanet 206580, MedGen C1970211, MONDO:0012608, OMIM 611067.
Charcot-Marie-Tooth disease recessive intermediate C. Also called: CHARCOT-MARIE-TOOTH NEUROPATHY, RECESSIVE INTERMEDIATE C. Identifiers: Orphanet 369867, MedGen C3809309, MONDO:0014154, OMIM 615376.

Allele frequency attached by ClinVar (database versions not stated): gnomAD 0.00009 and 0.00010; TOPMed 0.00009; ESP Exome Variant Server 0.00016.
gnomAD v4.1: 201 of 1,562,514 alleles (0.013%); highest among the groups gnomAD compares: Middle Eastern, 0.017%; no homozygotes.

Submissions (4):

CeGaT Center for Human Genetics Tuebingen
Classification: Uncertain significance. Last evaluated: 2026-07-01. Review status: criteria provided, single submitter. Criteria: CeGaT Center For Human Genetics Tuebingen Variant Classification Criteria Version 2. Collection method: clinical testing. Allele origin: germline. Affected: yes. Observed: 2 variant alleles.
Comment: PLEKHG5: PM2, BP4

Labcorp Genetics (formerly Invitae), Labcorp
Classification: Uncertain significance for Neuronopathy, distal hereditary motor, autosomal recessive 4; Charcot-Marie-Tooth disease recessive intermediate C. Last evaluated: 2022-06-27. Review status: criteria provided, single submitter. Criteria: Invitae Variant Classification Sherloc (09022015). Collection method: clinical testing. Allele origin: germline.
Comment: This sequence change replaces arginine, which is basic and polar, with glutamine, which is neutral and polar, at codon 930 of the PLEKHG5 protein (p.Arg930Gln). This variant is present in population databases (rs376237905, gnomAD 0.007%). This variant has not been reported in the literature in individuals affected with PLEKHG5-related conditions. ClinVar contains an entry for this variant (Variation ID: 426958). Algorithms developed to predict the effect of missense changes on protein structure and function output the following: SIFT: "Tolerated"; PolyPhen-2: "Benign"; Align-GVGD: "Class C0". The glutamine amino acid residue is found in multiple mammalian species, which suggests that this missense change does not adversely affect protein function. In summary, the available evidence is currently insufficient to determine the role of this variant in disease. Therefore, it has been classified as a Variant of Uncertain Significance.

GeneDx
Classification: Likely benign. Last evaluated: 2021-01-08. Review status: criteria provided, single submitter. Criteria: GeneDx Variant Classification Process June 2021. Collection method: clinical testing. Allele origin: germline. Affected: yes.
Comment: In silico analysis, which includes protein predictors and evolutionary conservation, supports that this variant does not alter protein structure/function; Has not been previously published as pathogenic or benign to our knowledge

Ambry Genetics
Classification: Likely benign for Inborn genetic diseases. Last evaluated: 2020-12-03. Review status: criteria provided, single submitter. Criteria: Ambry Variant Classification Scheme 2023. Collection method: clinical testing. Allele origin: germline.